The following is an entry in ClinVar:

ClinVar aggregate classification (germline): Likely pathogenic (1 of 4 stars; one submission).

Allele frequency attached by ClinVar (database versions not stated): gnomAD exomes below 0.00001.
gnomAD v4.1: 1 of 1,614,146 alleles (0.000062%); highest among the groups gnomAD compares: Non-Finnish European, 0.000085%; no homozygotes.

Submission:

GeneDx
Classification: Likely pathogenic. Last evaluated: 2013-11-06. Review status: criteria provided, single submitter. Criteria: GeneDx Variant Classification (06012015). Collection method: clinical testing. Allele origin: germline. Affected: yes.
Comment: p.His1189Pro (CAC>CCC): c.3566 A>C in exon 27 of the FBN2 gene (NM_001999.3) The His1189Pro variant in the FBN2 gene has not been reported as a disease-causing mutation or as a benign polymorphism to our knowledge. His1189Pro results in a non-conservative amino acid substitution of a polar Histidine with a non-polar Proline at a position that is conserved across species. Furthermore, the His1189Pro variant was not observed in approximately 6,500 individuals of European and African American ancestry in the NHLBI Exome Sequencing Project, indicating it is not a common benign variant in these populations. In silico analysis predicts His1189Pro is probably damaging to the protein structure/function. Mutations in nearby residues (Gly1179Cys, Cys1198Tyr) have been reported in association with congenital contractural arachnodactyly, further supporting the functional importance of this region of the protein. In summary, while His1189Pro is a good candidate for a disease-causing mutation, with the clinical and molecular information available at this time we cannot unequivocally determine the clinical significance of this variant. This variant was found in TAAD

NM_001999.4(FBN2):c.3566A>C (p.His1189Pro)

Gene: FBN2 (fibrillin 2; minus strand). Cytogenetic location: 5q23.3.
Variant type: single nucleotide variant.
Coding change: c.3566A>C on transcript NM_001999.4 (MANE Select); coding-DNA position 3566, A replaced by C.
Protein change: p.His1189Pro; replaces histidine 1189 with proline.
Molecular consequence: missense variant.
Genome position (GRCh38, 1-based): chr5:128,338,029, T>G on the plus strand (A>C on the coding strand, the complement: FBN2 is on the minus strand). VCF-style: chr5-128338029-T-G. GRCh37 (hg19) VCF-style: chr5-127673721-T-G.
Other names: short protein forms H1189P.
Identifiers: ClinVar variation 213311 (VCV000213311.2), dbSNP rs863223566, ClinGen allele CA323415.